The following is an entry in ClinVar:

ClinVar aggregate classification (germline): Uncertain significance. Review status: criteria provided, multiple submitters, no conflicts (2 of 4 stars). 3 submissions from 3 submitters: Uncertain significance (3). Last evaluated 2023-08-17.

Conditions:
Familial thoracic aortic aneurysm and aortic dissection (TAAD). Also called: Thoracic aortic aneurysms and dissections. Identifiers: Orphanet 91387, MedGen C4707243, MONDO:0019625.
Ehlers-Danlos syndrome, kyphoscoliotic type 1 (EDSKSCL1). Also called: PLOD1-Related Kyphoscoliotic Ehlers-Danlos Syndrome; Ehlers-Danlos syndrome, hydroxylysine-deficient; EHLERS-DANLOS SYNDROME, OCULAR-SCOLIOTIC TYPE; EHLERS-DANLOS SYNDROME, TYPE VIA. Identifiers: Orphanet 1900, MedGen C0268342, MONDO:0016002, OMIM 225400. Disease mechanism: loss of function.

Allele frequency attached by ClinVar (database versions not stated): gnomAD 0.00003; TOPMed 0.00003; ExAC 0.00004; gnomAD exomes 0.00005; ESP Exome Variant Server 0.00008; 1000 Genomes Project 0.00040; 1000 Genomes Project 30x 0.00047.
gnomAD v4.1: 63 of 1,613,814 alleles (0.0039%); highest among the groups gnomAD compares: Middle Eastern, 0.049%; no homozygotes.

Submissions (3):

Ambry Genetics
Classification: Uncertain significance for Familial thoracic aortic aneurysm and aortic dissection. Last evaluated: 2023-08-17. Review status: criteria provided, single submitter. Criteria: Ambry Variant Classification Scheme 2023. Collection method: clinical testing. Allele origin: germline.
Comment: The p.R46C variant (also known as c.136C>T), located in coding exon 2 of the PLOD1 gene, results from a C to T substitution at nucleotide position 136. The arginine at codon 46 is replaced by cysteine, an amino acid with highly dissimilar properties. This alteration has been reported in an ischemic stroke cohort (Alkhamis FA et al. Funct Integr Genomics, 2023 Mar;23:102). This amino acid position is highly conserved in available vertebrate species. In addition, the in silico prediction for this alteration is inconclusive. Since supporting evidence is limited at this time, the clinical significance of this alteration remains unclear.

Labcorp Genetics (formerly Invitae), Labcorp
Classification: Uncertain significance for Ehlers-Danlos syndrome, kyphoscoliotic type 1. Last evaluated: 2022-06-10. Review status: criteria provided, single submitter. Criteria: Invitae Variant Classification Sherloc (09022015). Collection method: clinical testing. Allele origin: germline.
Comment: This sequence change replaces arginine, which is basic and polar, with cysteine, which is neutral and slightly polar, at codon 46 of the PLOD1 protein (p.Arg46Cys). This variant is present in population databases (rs138698098, gnomAD 0.02%). This variant has not been reported in the literature in individuals affected with PLOD1-related conditions. ClinVar contains an entry for this variant (Variation ID: 242450). Algorithms developed to predict the effect of missense changes on protein structure and function are either unavailable or do not agree on the potential impact of this missense change (SIFT: "Deleterious"; PolyPhen-2: "Possibly Damaging"; Align-GVGD: "Class C15"). In summary, the available evidence is currently insufficient to determine the role of this variant in disease. Therefore, it has been classified as a Variant of Uncertain Significance.

GeneDx
Classification: Uncertain significance. Last evaluated: 2020-09-15. Review status: criteria provided, single submitter. Criteria: GeneDx Variant Classification Process June 2021. Collection method: clinical testing. Allele origin: germline. Affected: yes.
Comment: In silico analysis supports that this missense variant has a deleterious effect on protein structure/function

Literature cited by the submitters: PubMed 36973604 (cited by Ambry Genetics).

NM_000302.4(PLOD1):c.136C>T (p.Arg46Cys)

Gene: PLOD1 (procollagen-lysine,2-oxoglutarate 5-dioxygenase 1; plus strand). Cytogenetic location: 1p36.22.
Variant type: single nucleotide variant.
Coding change: c.136C>T on transcript NM_000302.4 (MANE Select); coding-DNA position 136, C replaced by T.
Protein change: p.Arg46Cys; replaces arginine 46 with cysteine.
Molecular consequence: missense variant.
Genome position (GRCh38, 1-based): chr1:11,948,035, C>T. VCF-style: chr1-11948035-C-T. GRCh37 (hg19) VCF-style: chr1-12008092-C-T.
Other names: c.277C>T, p.Arg93Cys (NM_001316320.2); short protein forms R46C, R93C.
Identifiers: ClinVar variation 242450 (VCV000242450.8), dbSNP rs138698098, ClinGen allele CA085481.
Genomic context (GRCh38, chr1:11,948,035, plus strand): 5'-GACAACCTTTTAGTCCTCACGGTGGCCACTAAGGAGACCGAGGGATTCCGTCGCTTCAAG[C>T]GCTCAGCTCAGTTCTTCAACTACAAGATCCAGGTAAGGGGTTTCCTGGGTGAGGCAGAGA-3'
Protein context (NP_000293.2, residues 36-56): KETEGFRRFK[Arg46Cys]SAQFFNYKIQ